The following is an entry in ClinVar:

NM_000096.4(CP):c.2629T>C (p.Trp877Arg)

Gene: CP (ceruloplasmin; minus strand). Cytogenetic location: 3q24.
Variant type: single nucleotide variant.
Coding change: c.2629T>C on transcript NM_000096.4 (MANE Select); coding-DNA position 2629, T replaced by C.
Protein change: p.Trp877Arg; replaces tryptophan 877 with arginine.
Molecular consequence: missense variant. On other transcripts: non-coding transcript variant (1).
Genome position (GRCh38, 1-based): chr3:149,179,588, A>G on the plus strand (T>C on the coding strand, the complement: CP is on the minus strand). VCF-style: chr3-149179588-A-G. GRCh37 (hg19) VCF-style: chr3-148897375-A-G.
Other names: short protein forms W877R.
Identifiers: ClinVar variation 4006020 (VCV004006020.2).

ClinVar aggregate classification (germline): Uncertain significance. Review status: criteria provided, multiple submitters, no conflicts (2 of 4 stars). 2 submissions from 2 submitters: Uncertain significance (2). Last evaluated 2025-04-11.

Conditions:
Deficiency of ferroxidase (ACEP). Also called: Aceruloplasminemia; Ceruloplasmin deficiency; Familial apoceruloplasmin deficiency; Hereditary ceruloplasmin deficiency; Deficiency of ceruloplasmin; NEURODEGENERATION WITH BRAIN IRON ACCUMULATION 10. Identifiers: Orphanet 48818, MedGen C0878682, MONDO:0011426, OMIM 604290, HP:0025498.
Inborn genetic diseases. Identifiers: MedGen C0950123, MeSH D030342.

gnomAD v4.1: 9 of 1,613,818 alleles (0.00056%); highest among the groups gnomAD compares: African/African-American, 0.0013%; no homozygotes.

Submissions (2):

Ambry Genetics
Classification: Uncertain significance for Inborn genetic diseases. Last evaluated: 2025-04-11. Review status: criteria provided, single submitter. Criteria: Ambry Variant Classification Scheme 2023. Collection method: clinical testing. Allele origin: germline.

3billion
Classification: Uncertain significance for Deficiency of ferroxidase. Last evaluated: 2024-11-26. Review status: criteria provided, single submitter. Criteria: ACMG Guidelines, 2015. Collection method: clinical testing. Allele origin: germline. Affected: yes.
Comment: The variant is observed at an extremely low frequency in the gnomAD v4.1.0 dataset (total allele frequency: <0.001%). Predicted Consequence/Location: Missense variant. The majority of the known disease-causing variants of this gene are variants expected to result in premature termination of the protein. In silico tool predictions suggest damaging effect of the variant on gene or gene product [REVEL: 0.82 (>=0.6, sensitivity 0.68 and specificity 0.92); 3Cnet: 0.01 (>=0.6, sensitivity 0.72 and precision 0.9)]. Therefore, this variant is classified as VUS according to the recommendation of ACMG/AMP guideline.